The following is an entry in ClinVar:

NM_032620.4(GTPBP3):c.751C>T (p.His251Tyr)

Gene: GTPBP3 (GTP binding protein 3, mitochondrial; plus strand). Cytogenetic location: 19p13.11.
Variant type: single nucleotide variant.
Coding change: c.751C>T on transcript NM_032620.4 (MANE Select); coding-DNA position 751, C replaced by T.
Protein change: p.His251Tyr; replaces histidine 251 with tyrosine.
Molecular consequence: missense variant.
Genome position (GRCh38, 1-based): chr19:17,339,209, C>T. VCF-style: chr19-17339209-C-T. GRCh37 (hg19) VCF-style: chr19-17450018-C-T.
Other names: c.847C>T, p.His283Tyr (NM_133644.4); c.751C>T, p.His251Tyr (NM_001128855.3); c.817C>T, p.His273Tyr (NM_001195422.1); short protein forms H251Y, H273Y, H283Y.
Identifiers: ClinVar variation 4538170 (VCV004538170.1).

ClinVar aggregate classification (germline): Uncertain significance (1 of 4 stars; one submission).

gnomAD v4.1: 10 of 1,612,704 alleles (0.00062%); highest among the groups gnomAD compares: Non-Finnish European, 0.00085%; no homozygotes.

Submission:

GeneDx
Classification: Uncertain significance. Last evaluated: 2025-06-11. Review status: criteria provided, single submitter. Criteria: GeneDx Variant Classification Process June 2021. Collection method: clinical testing. Allele origin: germline. Affected: yes.
Comment: Not observed at significant frequency in large population cohorts (gnomAD); In silico analysis supports that this missense variant has a deleterious effect on protein structure/function; Has not been previously published as pathogenic or benign to our knowledge; In silico analysis suggests this variant may impact gene splicing. In the absence of RNA/functional studies, the actual effect of this sequence change is unknown.